The following is an entry in ClinVar:

NM_000355.4(TCN2):c.754-1_763dup

Gene: TCN2 (transcobalamin 2; plus strand). Cytogenetic location: 22q12.2.
Variant type: Duplication.
Coding change: c.754-1_763dup on transcript NM_000355.4 (MANE Select); the canonical splice acceptor site of the intron before coding-DNA position 754 through coding-DNA position 763, 11 bases duplicated (GTTCCTCATGA).
Molecular consequence: splice acceptor variant.
Genome position (GRCh38, 1-based): chr22:30,615,600-30,615,610, GTTCCTCATGA duplicated; duplicating any 11 consecutive bases within chr22:30,615,599-30,615,610 gives the same sequence; the c. name uses the placement nearest the transcript's 3' end. VCF-style (leftmost placement, unchanged base first): chr22-30615598-C-CAGTTCCTCATG. GRCh37 (hg19) VCF-style: chr22-31011585-C-CAGTTCCTCATG.
Other names: c.673-1_682dup (NM_001184726.2).
Identifiers: ClinVar variation 4292030 (VCV004292030.2).

ClinVar aggregate classification (germline): Uncertain significance (1 of 4 stars; one submission).

Conditions:
Transcobalamin II deficiency (TCN2D). Also called: Transcolabamin II deficiency; TC II DEFICIENCY; TCN2 DEFICIENCY. Identifiers: Orphanet 859, MedGen C0342701, MONDO:0010149, OMIM 275350.

Submission:

3billion
Classification: Uncertain significance for Transcobalamin II deficiency. Last evaluated: 2025-06-13. Review status: criteria provided, single submitter. Criteria: ACMG Guidelines, 2015. Collection method: clinical testing. Allele origin: germline. Affected: yes.
Comment: The variant is not observed in the gnomAD v4.1.0 dataset. Predicted Consequence/Location: Intron variant In silico tools predict the variant to alter splicing and produce an abnormal transcript [SpliceAI: 0.90 (>=0.2, moderate evidence for spliceogenicity)]. Therefore, this variant is classified as VUS according to the recommendation of ACMG/AMP guideline.